The following is an entry in ClinVar:

ClinVar aggregate classification (germline): Uncertain significance (1 of 4 stars; one submission).

Allele frequency attached by ClinVar (database versions not stated): ExAC 0.00002; gnomAD exomes 0.00002; TOPMed 0.00002.
gnomAD v4.1: 14 of 1,607,628 alleles (0.00087%); highest among the groups gnomAD compares: Admixed American, 0.0034%; no homozygotes.

Submission:

Labcorp Genetics (formerly Invitae), Labcorp
Classification: Uncertain significance. Last evaluated: 2022-07-26. Review status: criteria provided, single submitter. Criteria: Invitae Variant Classification Sherloc (09022015). Collection method: clinical testing. Allele origin: germline.
Comment: This sequence change replaces arginine, which is basic and polar, with cysteine, which is neutral and slightly polar, at codon 222 of the C7 protein (p.Arg222Cys). This variant is present in population databases (rs755950201, gnomAD 0.006%). This variant has not been reported in the literature in individuals affected with C7-related conditions. ClinVar contains an entry for this variant (Variation ID: 1474055). Algorithms developed to predict the effect of missense changes on protein structure and function are either unavailable or do not agree on the potential impact of this missense change (SIFT: "Tolerated"; PolyPhen-2: "Possibly Damaging"; Align-GVGD: "Class C0"). In summary, the available evidence is currently insufficient to determine the role of this variant in disease. Therefore, it has been classified as a Variant of Uncertain Significance.

NM_000587.4(C7):c.664C>T (p.Arg222Cys)

Gene: C7 (complement C7; plus strand). Cytogenetic location: 5p13.1.
Variant type: single nucleotide variant.
Coding change: c.664C>T on transcript NM_000587.4 (MANE Select); coding-DNA position 664, C replaced by T.
Protein change: p.Arg222Cys; replaces arginine 222 with cysteine.
Molecular consequence: missense variant.
Genome position (GRCh38, 1-based): chr5:40,945,294, C>T. VCF-style: chr5-40945294-C-T. GRCh37 (hg19) VCF-style: chr5-40945396-C-T.
Other names: short protein forms R222C.
Identifiers: ClinVar variation 1474055 (VCV001474055.5), dbSNP rs755950201, ClinGen allele CA3249716.